The following is an entry in ClinVar:

NM_001009944.3(PKD1):c.2494dup (p.Arg832fs)

Gene: PKD1 (polycystin 1, transient receptor potential channel interacting; minus strand). Cytogenetic location: 16p13.3.
Variant type: Duplication.
Coding change: c.2494dup on transcript NM_001009944.3 (MANE Select); coding-DNA position 2494, one base duplicated (C; older notation c.2494dupC).
Protein change: p.Arg832fs; shifts the reading frame from arginine 832.
Molecular consequence: frameshift variant.
Genome position (GRCh38, 1-based): chr16:2,114,529, G duplicated on the plus strand (C on the coding strand, the reverse complement: PKD1 is on the minus strand); the first of 6 consecutive G bases (chr16:2,114,529-2,114,534); duplicating any one gives the same sequence. VCF-style (leftmost placement, unchanged base first): chr16-2114528-C-CG. GRCh37 (hg19) VCF-style: chr16-2164529-C-CG.
Other names: p.Arg832Profs*40; c.2494dup, p.Arg832fs (NM_000296.4); c.2494dup (NM_001009944.2); c.2494dupC (NM_001009944.2, NM_000296.3); short protein forms R832fs.
Identifiers: ClinVar variation 562288 (VCV000562288.24), dbSNP rs1567210630, ClinGen allele CA620705845.

ClinVar aggregate classification (germline): Pathogenic. Review status: criteria provided, multiple submitters, no conflicts (2 of 4 stars). 14 submissions from 14 submitters: Pathogenic (13). 1 of the submissions does not count toward it. Last evaluated 2026-10-16.

Conditions:
Autosomal dominant polycystic kidney disease. Identifiers: Orphanet 730, MedGen C0085413, MONDO:0004691.
Polycystic kidney disease, adult type (PKD1). Also called: Polycystic Kidney Disease 1, Autosomal Dominant; Polycystic kidney disease 1; Polycystic kidney disease 1, severe; Polycystic Kidney, Autosomal Dominant; POLYCYSTIC KIDNEY DISEASE 1 WITH OR WITHOUT POLYCYSTIC LIVER DISEASE; POLYCYSTIC KIDNEY DISEASE, ADULT, TYPE I. Identifiers: MedGen C3149841, MONDO:0008263, OMIM 173900.
PKD1-related disorder. Also called: PKD1-related condition.
Inborn genetic diseases. Identifiers: MedGen C0950123, MeSH D030342.

Submissions (14):

Clinical Genetics Laboratory, Skane University Hospital Lund
Classification: Pathogenic for Autosomal dominant polycystic kidney disease. Last evaluated: 2026-10-16. Review status: criteria provided, single submitter. Criteria: ACMG Guidelines, 2015. Collection method: clinical testing. Allele origin: germline. Affected: yes.
Comment: PKD1 (NM_001009944.3) c.2494dup, p.(Arg832Profs40) represents a duplication of one base pair in exon 11 of 46, resulting in a frameshift and a premature stop codon. This is predicted to lead to a truncated protein or loss of protein expression from the affected allele. The PKD1 c.2494dup variant has not been identified in the general population, has previously been reported in the literature (PMID: 22383692, 30586318, 31740684, 33532864, 39291187), and is classified as pathogenic in the ClinVar database (Accession: VCV000562288.23). The likelihood of identifying a disease-causing variant in PKD1 is expected to be approximately 94% in individuals with clinically diagnosed autosomal dominant polycystic kidney disease (ADPKD) (see GeneReviews,, and PMID: 38103548 for evidence grading). This variant has been classified as pathogenic according to the following ACMG criteria: PVS1, PS4_Moderate, PM2, PP1, and PP4_Strong.

Victorian Clinical Genetics Services, Murdoch Childrens Research Institute
Classification: Pathogenic for Polycystic kidney disease, adult type. Last evaluated: 2026-05-18. Review status: criteria provided, single submitter. Criteria: ACMG Guidelines, 2015. Collection method: clinical testing. Allele origin: germline. Affected: yes.
Comment: This variant is classified as Pathogenic. Evidence in support of pathogenic classification: Variant is predicted to cause nonsense-mediated decay (NMD) and loss of protein (premature termination codon is located at least 54 nucleotides upstream of the final exon-exon junction); Variant is absent from gnomAD (v2, v3 and v4); Other NMD-predicted variants comparable to the one identified in this case have very strong previous evidence for pathogenicity (DECIPHER). Additional information: This variant is heterozygous; This gene is associated with autosomal dominant disease. Polycystic kidney disease 1 (MIM#173900) is predominantly caused by monoallelic variants, with rare reports of biallelic variants causing disease (OMIM); Loss of function is a known mechanism of disease in this gene and is associated with polycystic kidney disease 1 (MIM#173900); Inheritance information for this variant is not currently available in this individual.

Genomic Medicine Center of Excellence, King Faisal Specialist Hospital and Research Centre
Classification: Pathogenic for Polycystic kidney disease, adult type. Last evaluated: 2025-09-10. Review status: criteria provided, single submitter. Criteria: ACMG Guidelines, 2015. Collection method: clinical testing. Allele origin: germline.

Ambry Genetics
Classification: Pathogenic for Inborn genetic diseases. Last evaluated: 2025-04-24. Review status: criteria provided, single submitter. Criteria: Ambry Variant Classification Scheme 2023. Collection method: clinical testing. Allele origin: germline.
Comment: The c.2494dupC (p.R832Pfs*40) alteration, located in exon 11 (coding exon 11) of the PKD1 gene, consists of a duplication of C at position 2494, causing a translational frameshift with a predicted alternate stop codon after 40 amino acids. This alteration is expected to result in loss of function by premature protein truncation or nonsense-mediated mRNA decay. This variant was not reported in population-based cohorts in the Genome Aggregation Database (gnomAD). This variant was reported in individual(s) with features consistent with PKD1-related polycystic kidney disease (Yu, 2022; Domingo-Gallego, 2021; Zhang, 2019; Kim, 2019; Groopman, 2019; Fujimaru, 2018; Carrera, 2016; Rossetti, 2012). Based on the available evidence, this alteration is classified as pathogenic.

GeneDx
Classification: Pathogenic. Last evaluated: 2024-09-23. Review status: criteria provided, single submitter. Criteria: GeneDx Variant Classification Process June 2021. Collection method: clinical testing. Allele origin: germline. Affected: yes.
Comment: Frameshift variant predicted to result in protein truncation or nonsense mediated decay in a gene for which loss-of-function is a known mechanism of disease; Not observed at significant frequency in large population cohorts (gnomAD); This variant is associated with the following publications: (PMID: 33532864, 22383692, 35778421, 30586318, 31740684)

Mayo Clinic Laboratories, Mayo Clinic
Classification: Pathogenic. Last evaluated: 2024-07-09. Review status: criteria provided, single submitter. Criteria: ACMG Guidelines, 2015. Collection method: clinical testing. Allele origin: germline. Observed: 2 variant alleles.
Comment: PM2, PS4_moderate, PVS1

Fulgent Genetics
Classification: Pathogenic for Polycystic kidney disease, adult type. Last evaluated: 2024-05-22. Review status: criteria provided, single submitter. Criteria: ACMG Guidelines, 2015. Collection method: clinical testing. Allele origin: germline.

Women's Health and Genetics/Laboratory Corporation of America, LabCorp
Classification: Pathogenic for Polycystic kidney disease, adult type. Last evaluated: 2023-05-26. Review status: criteria provided, single submitter. Criteria: LabCorp Variant Classification Summary - May 2015. Collection method: clinical testing. Allele origin: germline.
Comment: Variant summary: PKD1 c.2494dupC (p.Arg832ProfsX40) results in a premature termination codon, predicted to cause a truncation of the encoded protein or absence of the protein due to nonsense mediated decay, which are commonly known mechanisms for disease. The variant was absent in 217134 control chromosomes. c.2494dupC has been reported in the literature in at least three individuals affected with Polycystic Kidney Disease (example, Yu_2022). These data indicate that the variant is likely to be associated with disease. To our knowledge, no experimental evidence demonstrating an impact on protein function has been reported. The following publication has been ascertained in the context of this evaluation (PMID: 35778421). Five ClinVar submitters have submitted clinical-significance assessments for this variant to ClinVar after 2014. One submitter classified the variant as likely pathogenic, while the other four classified the variant as pathogenic. Based on the evidence outlined above, the variant was classified as pathogenic.

Revvity Omics, Revvity
Classification: Pathogenic for Polycystic kidney disease, adult type. Last evaluated: 2020-03-04. Review status: criteria provided, single submitter. Criteria: ACMG Guidelines, 2015. Collection method: clinical testing. Allele origin: germline.

Molecular Biology Laboratory, Fundació Puigvert
Classification: Pathogenic for Polycystic kidney disease, adult type. Last evaluated: 2020-02-01. Review status: criteria provided, single submitter. Criteria: ACMG Guidelines, 2015. Collection method: research. Allele origin: paternal. Affected: yes. Study: KidneyPanel_2020.

Gharavi Laboratory, Columbia University
Classification: Pathogenic. Last evaluated: 2018-09-16. Review status: criteria provided, single submitter. Criteria: ACMG Guidelines, 2015. Collection method: research. Allele origin: germline. Affected: yes.

Department of Pathology and Laboratory Medicine, Sinai Health System
Classification: Pathogenic for Polycystic kidney disease, adult type. Last evaluated: 2018-05-04. Review status: criteria provided, single submitter. Criteria: ACMG Guidelines, 2015. Collection method: clinical testing. Allele origin: germline. Affected: yes.

Juno Genomics, Hangzhou Juno Genomics, Inc
Classification: Pathogenic for Polycystic kidney disease, adult type. Review status: criteria provided, single submitter. Criteria: ACMG Guidelines, 2015. Collection method: clinical testing. Allele origin: germline. Affected: yes.
Comment: Absent from controls (or at extremely low frequency if recessive) in Genome Aggregation Database, Exome Sequencing Project, 1000 Genomes Project, or Exome Aggregation Consortium.;Null variant in a gene where loss of function (LOF) is a known mechanism of disease.;The prevalence of the variant in affected individuals is significantly increased compared to the prevalence in controls.;Patient's phenotype or family history is highly specific for a disease with a single genetic etiology.

PreventionGenetics, part of Exact Sciences
Classification: Pathogenic for PKD1-related condition. Last evaluated: 2024-03-26. Review status: no assertion criteria provided. Collection method: clinical testing. Allele origin: germline. Not counted in ClinVar's aggregate classification.
Comment: The PKD1 c.2494dupC variant is predicted to result in a frameshift and premature protein termination (p.Arg832Profs*40). This variant was reported to be causative for autosomal dominant polycystic kidney disease (ADPKD) (described as c.2494_2495insC, Rossetti et al. 2012. PubMed ID: 22383692; Table S6A, Kim et al. 2019. PubMed ID: 31740684). This variant has not been reported in a large population database, indicating this variant is rare. Frameshift variants in PKD1 are expected to be pathogenic. This variant is interpreted as pathogenic.

Literature cited by the submitters: PubMed 22383692 (cited by 3 submitters); PubMed 27499327 (cited by Ambry Genetics); PubMed 29520754 (cited by Ambry Genetics); PubMed 29633482 (cited by Ambry Genetics and Mayo Clinic Laboratories, Mayo Clinic); PubMed 30586318 (cited by Ambry Genetics and Mayo Clinic Laboratories, Mayo Clinic); PubMed 31740684 (cited by Ambry Genetics and Mayo Clinic Laboratories, Mayo Clinic); PubMed 33532864 (cited by 3 submitters); PubMed 35778421 (cited by 3 submitters).